The following is an entry in ClinVar:

ClinVar aggregate classification (germline): Uncertain significance (1 of 4 stars; one submission).

Conditions:
Hereditary cancer-predisposing syndrome. Also called: Neoplastic Syndromes, Hereditary; Tumor predisposition; Hereditary neoplastic syndrome; Hereditary Cancer Syndrome. Identifiers: Orphanet 140162, MedGen C0027672, MeSH D009386, MONDO:0015356.

Submission:

Ambry Genetics
Classification: Uncertain significance for Hereditary cancer-predisposing syndrome. Last evaluated: 2026-07-06. Review status: criteria provided, single submitter. Criteria: Ambry Variant Classification Scheme 2023. Collection method: clinical testing. Allele origin: germline.
Comment: The p.A14S variant (also known as c.40G>T), located in coding exon 1 of the SUFU gene, results from a G to T substitution at nucleotide position 40. The alanine at codon 14 is replaced by serine, an amino acid with similar properties. This amino acid position is conserved. In addition, this alteration is predicted to be tolerated by in silico analysis. Based on the available evidence, the clinical significance of this variant remains unclear.

NM_016169.4(SUFU):c.40G>T (p.Ala14Ser)

Genes: SUFU (SUFU negative regulator of hedgehog signaling; plus strand), LOC130004614 (ATAC-STARR-seq lymphoblastoid silent region 2764; plus strand). Cytogenetic location: 10q24.32.
Variant type: single nucleotide variant.
Coding change: c.40G>T on transcript NM_016169.4 (MANE Select); coding-DNA position 40, G replaced by T.
Protein change: p.Ala14Ser; replaces alanine 14 with serine.
Molecular consequence: missense variant.
Genome position (GRCh38, 1-based): chr10:102,504,192, G>T. VCF-style: chr10-102504192-G-T. GRCh37 (hg19) VCF-style: chr10-104263949-G-T.
Other names: c.40G>T, p.Ala14Ser (NM_001178133.2); short protein forms A14S.
Identifiers: ClinVar variation 5030368 (VCV005030368.1).